The following is an entry in ClinVar:

NM_001242896.3(DEPDC5):c.2708C>T (p.Ser903Phe)

Gene: DEPDC5 (DEP domain containing 5, GATOR1 subcomplex subunit; plus strand). Cytogenetic location: 22q12.3.
Variant type: single nucleotide variant.
Coding change: c.2708C>T on transcript NM_001242896.3 (MANE Select); coding-DNA position 2708, C replaced by T.
Protein change: p.Ser903Phe; replaces serine 903 with phenylalanine.
Molecular consequence: missense variant. On other transcripts: non-coding transcript variant (5).
Genome position (GRCh38, 1-based): chr22:31,843,719, C>T. VCF-style: chr22-31843719-C-T. GRCh37 (hg19) VCF-style: chr22-32239705-C-T.
Other names: c.2681C>T, p.Ser894Phe (NM_001136029.4, NM_001369903.1, NM_014662.6); c.2474C>T, p.Ser825Phe (NM_001242897.2, NM_001363854.2, NM_001364319.2); c.2708C>T, p.Ser903Phe (NM_001363852.2, NM_001364318.2, NM_001364320.2); c.2624C>T, p.Ser875Phe (NM_001369901.1, NM_001369902.1); short protein forms S825F, S875F, S894F, S903F.
Identifiers: ClinVar variation 1307625 (VCV001307625.2), dbSNP rs2149009159, ClinGen allele CA411289834.

ClinVar aggregate classification (germline): Uncertain significance (1 of 4 stars; one submission).

Submission:

GeneDx
Classification: Uncertain significance. Last evaluated: 2019-08-14. Review status: criteria provided, single submitter. Criteria: GeneDx Variant Classification Process June 2021. Collection method: clinical testing. Allele origin: germline. Affected: yes.
Comment: Not observed in large population cohorts (Lek et al., 2016); In silico analysis, which includes protein predictors and evolutionary conservation, supports a deleterious effect; Has not been previously published as pathogenic or benign to our knowledge